The following is an entry in ClinVar:

NM_018122.5(DARS2):c.823C>T (p.Gln275Ter)

Gene: DARS2 (aspartyl-tRNA synthetase 2, mitochondrial; plus strand). Cytogenetic location: 1q25.1.
Variant type: single nucleotide variant.
Coding change: c.823C>T on transcript NM_018122.5 (MANE Select); coding-DNA position 823, C replaced by T.
Protein change: p.Gln275Ter; replaces glutamine 275 with a stop codon.
Molecular consequence: nonsense.
Genome position (GRCh38, 1-based): chr1:173,838,242, C>T. VCF-style: chr1-173838242-C-T. GRCh37 (hg19) VCF-style: chr1-173807380-C-T.
Other names: NM_018122.5(DARS2):c.823C>T; p.Gln275Ter; c.823C>T, p.Gln275Ter (NM_001365212.1, NM_001365213.2); short protein forms Q275*.
Identifiers: ClinVar variation 2578589 (VCV002578589.26), dbSNP rs753732596, ClinGen allele CA1250252.
Genomic context (GRCh38, chr1:173,838,242, plus strand): 5'-AATTGTAGATATTTTCAGGTTGCCCGATGTTATCGAGATGAAGGTTCAAGACCAGACAGA[C>T]AGCCTGAGTTTACTCAGGTACAAAGTTATATTCACTTGTTTCTTAAAATTCAGGCTTACT-3'

ClinVar aggregate classification (germline): Pathogenic/Likely pathogenic. Review status: criteria provided, multiple submitters, no conflicts (2 of 4 stars). 2 submissions from 2 submitters: Pathogenic (1); Likely pathogenic (1). Last evaluated 2025-01-21.

Conditions:
Leukoencephalopathy with brain stem and spinal cord involvement-high lactate syndrome (LBSL). Also called: LEUKOENCEPHALOPATHY WITH BRAINSTEM AND SPINAL CORD INVOLVEMENT AND LACTATE ELEVATION, MILD; MITOCHONDRIAL ASPARTYL-tRNA SYNTHETASE DEFICIENCY; Leukoencephalopathy with Brainstem and Spinal Cord Involvement and Lactate Elevation. Identifiers: Orphanet 137898, MedGen C1970180, MONDO:0012622, OMIM 611105.

Allele frequency attached by ClinVar (database versions not stated): gnomAD exomes below 0.00001; ExAC 0.00001; gnomAD 0.00001.
gnomAD v4.1: 8 of 1,613,360 alleles (0.0005%); highest among the groups gnomAD compares: Non-Finnish European, 0.00042%; no homozygotes.

Submissions (2):

Broad Center for Mendelian Genomics, Broad Institute of MIT and Harvard
Classification: Likely pathogenic for Leukoencephalopathy with brain stem and spinal cord involvement-high lactate syndrome. Last evaluated: 2025-01-21. Review status: criteria provided, single submitter. Criteria: ACMG Guidelines, 2015. Collection method: curation. Allele origin: germline. Inheritance: Autosomal recessive inheritance.
Comment: The p.Gln275Ter variant in DARS2 has not been previously reported in the literature in individuals with leukoencephalopathy with brain stem and spinal cord involvement-high lactate syndrome, but has been identified in 0.002% (1/63976) of European (Finnish) chromosomes by the Genome Aggregation Database (gnomAD; dbSNP rs753732596). Although this variant has been seen in the general population in a heterozygous state, its frequency is low enough to be consistent with a recessive carrier frequency. This variant has also been reported in ClinVar (Variation ID: 2578589) and has been interpreted as pathogenic by CeGaT Center for Human Genetics Tuebingen. This nonsense variant leads to a premature termination codon at position 275, which is predicted to lead to a truncated or absent protein. Loss of function of the DARS2 gene is an established disease mechanism in leukoencephalopathy with brain stem and spinal cord involvement-high lactate syndrome. In summary, although additional studies are required to fully establish its clinical significance, this variant is likely pathogenic for autosomal recessive leukoencephalopathy with brain stem and spinal cord involvement-high lactate syndrome. ACMG/AMP Criteria applied: PVS1, PM2_supporting (Richards 2015).

CeGaT Center for Human Genetics Tuebingen
Classification: Pathogenic. Last evaluated: 2023-07-01. Review status: criteria provided, single submitter. Criteria: CeGaT Center For Human Genetics Tuebingen Variant Classification Criteria Version 2. Collection method: clinical testing. Allele origin: germline. Affected: yes. Observed: 1 variant allele.
Comment: DARS2: PVS1, PM2